The following is an entry in ClinVar:

ClinVar aggregate classification (germline): Uncertain significance (1 of 4 stars; one submission).

Allele frequency attached by ClinVar (database versions not stated): gnomAD exomes 0.00001; ExAC 0.00002.
gnomAD v4.1: 21 of 1,613,648 alleles (0.0013%); highest among the groups gnomAD compares: South Asian, 0.014%; no homozygotes.

Submission:

Labcorp Genetics (formerly Invitae), Labcorp
Classification: Uncertain significance. Last evaluated: 2025-10-02. Review status: criteria provided, single submitter. Criteria: Invitae Variant Classification Sherloc (09022015). Collection method: clinical testing. Allele origin: germline.
Comment: This sequence change creates a premature translational stop signal (p.Ser936*) in the SAMD9 gene. While this is not anticipated to result in nonsense mediated decay, it is expected to disrupt the last 654 amino acid(s) of the SAMD9 protein. This variant is present in population databases (rs765319328, gnomAD 0.01%). This variant has not been reported in the literature in individuals affected with SAMD9-related conditions. ClinVar contains an entry for this variant (Variation ID: 1929013). In summary, the available evidence is currently insufficient to determine the role of this variant in disease. Therefore, it has been classified as a Variant of Uncertain Significance.

NM_017654.4(SAMD9):c.2807C>A (p.Ser936Ter)

Gene: SAMD9 (sterile alpha motif domain containing 9; minus strand). Cytogenetic location: 7q21.2.
Variant type: single nucleotide variant.
Coding change: c.2807C>A on transcript NM_017654.4 (MANE Select); coding-DNA position 2807, C replaced by A.
Protein change: p.Ser936Ter; replaces serine 936 with a stop codon.
Molecular consequence: nonsense.
Genome position (GRCh38, 1-based): chr7:93,103,291, G>T on the plus strand (C>A on the coding strand, the complement: SAMD9 is on the minus strand). VCF-style: chr7-93103291-G-T. GRCh37 (hg19) VCF-style: chr7-92732604-G-T.
Other names: c.2807C>A, p.Ser936Ter (NM_001193307.2); short protein forms S936*.
Identifiers: ClinVar variation 1929013 (VCV001929013.3), dbSNP rs765319328, ClinGen allele CA4342781.